The following is an entry in ClinVar:

ClinVar aggregate classification (germline): Uncertain significance (1 of 4 stars; one submission).

Allele frequency attached by ClinVar (database versions not stated): TOPMed 0.00002; gnomAD 0.00003.
gnomAD v4.1: 10 of 1,611,856 alleles (0.00062%); highest among the groups gnomAD compares: African/African-American, 0.004%; no homozygotes.

Submission:

GeneDx
Classification: Uncertain significance. Last evaluated: 2022-04-18. Review status: criteria provided, single submitter. Criteria: GeneDx Variant Classification Process June 2021. Collection method: clinical testing. Allele origin: germline. Affected: yes.
Comment: Not observed at significant frequency in large population cohorts (gnomAD); In silico analysis supports that this missense variant does not alter protein structure/function; Has not been previously published as pathogenic or benign to our knowledge

NM_020117.11(LARS1):c.1110G>T (p.Lys370Asn)

Gene: LARS1 (leucyl-tRNA synthetase 1; minus strand). Cytogenetic location: 5q32.
Variant type: single nucleotide variant.
Coding change: c.1110G>T on transcript NM_020117.11 (MANE Select); coding-DNA position 1110, G replaced by T.
Protein change: p.Lys370Asn; replaces lysine 370 with asparagine.
Molecular consequence: missense variant.
Genome position (GRCh38, 1-based): chr5:146,153,936, C>A on the plus strand (G>T on the coding strand, the complement: LARS1 is on the minus strand). VCF-style: chr5-146153936-C-A. GRCh37 (hg19) VCF-style: chr5-145533499-C-A.
Other names: c.972G>T, p.Lys324Asn (NM_001317964.2); c.948G>T, p.Lys316Asn (NM_001317965.2); c.1029G>T, p.Lys343Asn (NM_016460.4); short protein forms K316N, K324N, K343N, K370N.
Identifiers: ClinVar variation 1712124 (VCV001712124.2), dbSNP rs376576817, ClinGen allele CA128851349.